The following is an entry in ClinVar:

NM_000257.4(MYH7):c.1258-2A>T

Gene: MYH7 (myosin heavy chain 7; minus strand). Cytogenetic location: 14q11.2.
Variant type: single nucleotide variant.
Coding change: c.1258-2A>T on transcript NM_000257.4 (MANE Select); the canonical splice acceptor site of the intron before coding-DNA position 1258, A replaced by T.
Molecular consequence: splice acceptor variant.
Genome position (GRCh38, 1-based): chr14:23,429,106, T>A on the plus strand (A>T on the coding strand, the complement: MYH7 is on the minus strand). VCF-style: chr14-23429106-T-A. GRCh37 (hg19) VCF-style: chr14-23898315-T-A.
Other names: c.1258-2A>T (NM_001407004.1).
Identifiers: ClinVar variation 3075470 (VCV003075470.1), dbSNP rs2502302489, ClinGen allele CA389051005.

ClinVar aggregate classification (germline): Uncertain significance (1 of 4 stars; one submission).

Conditions:
Cardiomyopathy (CMYO). Also called: Cardiomyopathies. Identifiers: Orphanet 167848, MedGen C0878544, MONDO:0004994, HP:0001638. Inheritance: Various modes of inheritance.

Allele frequency attached by ClinVar (database versions not stated): gnomAD exomes 0.00001.
gnomAD v4.1: 10 of 1,614,212 alleles (0.00062%); highest among the groups gnomAD compares: Non-Finnish European, 0.00085%; no homozygotes.

Submission:

All of Us Research Program, National Institutes of Health
Classification: Uncertain significance for Cardiomyopathy. Last evaluated: 2024-02-05. Review status: criteria provided, single submitter. Criteria: ACMG Guidelines, 2015. Collection method: clinical testing. Allele origin: germline. Inheritance: Autosomal dominant inheritance. Observed: 1 variant allele, 1 heterozygote.
Comment: This variant causes an A>T nucleotide substitution at the -2 position of intron 13 of the MYH7 gene. Splice site prediction tools suggest that this variant may have a significant impact on RNA splicing. Although this prediction has not been confirmed in published RNA studies, this variant is expected to result in an absent or disrupted protein product. This variant has not been reported in individuals affected with MYH7-related disorders in the literature. This variant has not been identified in the general population by the Genome Aggregation Database (gnomAD). Clinical relevance of loss-of-function MYH7 truncation and splice variants in autosomal dominant cardiovascular disorders is not clearly established. The available evidence is insufficient to determine the role of this variant in disease conclusively. Therefore, this variant is classified as a Variant of Uncertain Significance.

This study involves interpretation of variants in research participants for the purpose of population health screening. Participant phenotype was not available at the time of variant classification. Additional details can be found in publication PMID: 35346344, PMCID: PMC8962531